The following is an entry in ClinVar:

NM_003334.4(UBA1):c.1523T>C (p.Ile508Thr)

Gene: UBA1 (ubiquitin like modifier activating enzyme 1; plus strand). Cytogenetic location: Xp11.3.
Variant type: single nucleotide variant.
Coding change: c.1523T>C on transcript NM_003334.4 (MANE Select); coding-DNA position 1523, T replaced by C.
Protein change: p.Ile508Thr; replaces isoleucine 508 with threonine.
Molecular consequence: missense variant.
Genome position (GRCh38, 1-based): chrX:47,203,644, T>C. VCF-style: chrX-47203644-T-C. GRCh37 (hg19) VCF-style: chrX-47063043-T-C.
Other names: c.1523T>C, p.Ile508Thr (NM_153280.3); short protein forms I508T.
Identifiers: ClinVar variation 3655516 (VCV003655516.2).

ClinVar aggregate classification (germline): Uncertain significance (1 of 4 stars; one submission).

Conditions:
Infantile-onset X-linked spinal muscular atrophy. Also called: Spinal Muscular Atrophy, X-Linked Infantile; AMC, DISTAL, X-LINKED; ARTHROGRYPOSIS, X-LINKED, TYPE I; SPINAL MUSCULAR ATROPHY, X-LINKED LETHAL INFANTILE; Spinal muscular atrophy, X-linked 2. Identifiers: Orphanet 1145, MedGen C1844934, MONDO:0010532, OMIM 301830.

Submission:

Labcorp Genetics (formerly Invitae), Labcorp
Classification: Uncertain significance for Infantile-onset X-linked spinal muscular atrophy. Last evaluated: 2024-06-04. Review status: criteria provided, single submitter. Criteria: Invitae Variant Classification Sherloc (09022015). Collection method: clinical testing. Allele origin: germline.
Comment: This sequence change replaces isoleucine, which is neutral and non-polar, with threonine, which is neutral and polar, at codon 508 of the UBA1 protein (p.Ile508Thr). This variant is not present in population databases (gnomAD no frequency). This variant has not been reported in the literature in individuals affected with UBA1-related conditions. An algorithm developed to predict the effect of missense changes on protein structure and function (PolyPhen-2) suggests that this variant is likely to be disruptive. In summary, the available evidence is currently insufficient to determine the role of this variant in disease. Therefore, it has been classified as a Variant of Uncertain Significance.